The following is an entry in ClinVar:

NM_000553.6(WRN):c.2015_2016del (p.Cys672fs)

Gene: WRN (WRN RecQ like helicase; plus strand). Cytogenetic location: 8p12.
Variant type: Deletion.
Coding change: c.2015_2016del on transcript NM_000553.6 (MANE Select); coding-DNA positions 2015 to 2016, 2 bases deleted (GT; older notation c.2015_2016delGT).
Protein change: p.Cys672fs; shifts the reading frame from cysteine 672.
Molecular consequence: frameshift variant.
Genome position (GRCh38, 1-based): chr8:31,100,882-31,100,883, GT deleted; deleting any 2 consecutive bases within chr8:31,100,881-31,100,883 gives the same sequence; the c. name uses the placement nearest the transcript's 3' end. VCF-style (leftmost placement, unchanged base first): chr8-31100880-CTG-C. GRCh37 (hg19) VCF-style: chr8-30958396-CTG-C.
Other names: short protein forms C672fs.
Identifiers: ClinVar variation 2797095 (VCV002797095.3), dbSNP rs1814197201, ClinGen allele CA2497474864.

ClinVar aggregate classification (germline): Pathogenic (1 of 4 stars; one submission).

Conditions:
Werner syndrome (WRN). Identifiers: Orphanet 902, MedGen C0043119, MONDO:0010196, OMIM 277700.

Submission:

Labcorp Genetics (formerly Invitae), Labcorp
Classification: Pathogenic for Werner syndrome. Last evaluated: 2023-07-12. Review status: criteria provided, single submitter. Criteria: Invitae Variant Classification Sherloc (09022015). Collection method: clinical testing. Allele origin: germline.
Comment: For these reasons, this variant has been classified as Pathogenic. This variant has not been reported in the literature in individuals affected with WRN-related conditions. This variant is not present in population databases (gnomAD no frequency). This sequence change creates a premature translational stop signal (p.Cys672Tyrfs*3) in the WRN gene. It is expected to result in an absent or disrupted protein product. Loss-of-function variants in WRN are known to be pathogenic (PMID: 16673358).

Literature cited by the submitters: PubMed 16673358.